The following is an entry in ClinVar:

NM_018685.5(ANLN):c.980C>T (p.Thr327Met)

Gene: ANLN (anillin, actin binding protein; plus strand). Cytogenetic location: 7p14.2.
Variant type: single nucleotide variant.
Coding change: c.980C>T on transcript NM_018685.5 (MANE Select); coding-DNA position 980, C replaced by T.
Protein change: p.Thr327Met; replaces threonine 327 with methionine.
Molecular consequence: missense variant.
Genome position (GRCh38, 1-based): chr7:36,407,840, C>T. VCF-style: chr7-36407840-C-T. GRCh37 (hg19) VCF-style: chr7-36447449-C-T.
Other names: c.980C>T, p.Thr327Met (NM_001284301.3, NM_001284302.3); short protein forms T327M.
Identifiers: ClinVar variation 1397523 (VCV001397523.6), dbSNP rs564754015, ClinGen allele CA4219472.

ClinVar aggregate classification (germline): Uncertain significance (1 of 4 stars; one submission).

Allele frequency attached by ClinVar (database versions not stated): gnomAD 0.00001; gnomAD exomes 0.00001 and 0.00002; TOPMed 0.00001; ExAC 0.00002.
gnomAD v4.1: 24 of 1,613,632 alleles (0.0015%); highest among the groups gnomAD compares: Non-Finnish European, 0.0017%; no homozygotes.

Submission:

Labcorp Genetics (formerly Invitae), Labcorp
Classification: Uncertain significance. Last evaluated: 2021-10-02. Review status: criteria provided, single submitter. Criteria: Invitae Variant Classification Sherloc (09022015). Collection method: clinical testing. Allele origin: germline.
Comment: In summary, the available evidence is currently insufficient to determine the role of this variant in disease. Therefore, it has been classified as a Variant of Uncertain Significance. Algorithms developed to predict the effect of missense changes on protein structure and function are either unavailable or do not agree on the potential impact of this missense change (SIFT: "Deleterious"; PolyPhen-2: "Probably Damaging"; Align-GVGD: "Class C0"). This variant has not been reported in the literature in individuals affected with ANLN-related conditions. This variant is present in population databases (rs564754015, ExAC 0.009%). This sequence change replaces threonine with methionine at codon 327 of the ANLN protein (p.Thr327Met). The threonine residue is moderately conserved and there is a moderate physicochemical difference between threonine and methionine.